The following is an entry in ClinVar:

NM_001267550.2(TTN):c.41911del (p.Pro13970_Ile13971insTer)

Gene: TTN (titin; minus strand). Cytogenetic location: 2q31.2.
Variant type: Deletion.
Coding change: c.41911del on transcript NM_001267550.2 (MANE Select); coding-DNA position 41911, one base deleted (A; older notation c.41911delA).
Protein change: p.Pro13970_Ile13971insTer.
Molecular consequence: nonsense.
Genome position (GRCh38, 1-based): chr2:178,635,278, T deleted on the plus strand (A on the coding strand, the reverse complement: TTN is on the minus strand); the first of 2 consecutive T bases (chr2:178,635,278-178,635,279); deleting either gives the same sequence. VCF-style (leftmost placement, unchanged base first): chr2-178635277-AT-A. GRCh37 (hg19) VCF-style: chr2-179500004-AT-A.
Other names: c.36988del, p.Pro12329_Ile12330insTer (NM_001256850.1); c.14716del, p.Pro4905_Ile4906insTer (NM_003319.4); c.34207del, p.Pro11402_Ile11403insTer (NM_133378.4); c.15091del, p.Pro5030_Ile5031insTer (NM_133432.3); c.15292del, p.Pro5097_Ile5098insTer (NM_133437.4).
Identifiers: ClinVar variation 5006151 (VCV005006151.2).

ClinVar aggregate classification (germline): Likely pathogenic (1 of 4 stars; one submission).

Conditions:
Hypertrophic cardiomyopathy 9. Also called: Familial hypertrophic cardiomyopathy 9. Identifiers: MedGen C1861065, MONDO:0013412, OMIM 613765.
Myopathy, myofibrillar, 9, with early respiratory failure (MFM9). Also called: Hereditary myopathy with early respiratory failure; EDSTROM MYOPATHY; MYOPATHY, PROXIMAL, WITH EARLY RESPIRATORY MUSCLE INVOLVEMENT; Myopathy, distal, with early respiratory failure, autosomal dominant. Identifiers: Orphanet 178464, Orphanet 34521, MedGen C1863599, MONDO:0011362, OMIM 603689.
Early-onset myopathy with fatal cardiomyopathy (CMYO5). Also called: CONGENITAL MYOPATHY 5 WITH CARDIOMYOPATHY; Salih Myopathy. Identifiers: Orphanet 289377, MedGen C2673677, MONDO:0012714, OMIM 611705. Disease mechanism: loss of function.
Autosomal recessive limb-girdle muscular dystrophy type 2J (LGMDR10). Also called: Limb-girdle muscular dystrophy, type 2J; MUSCULAR DYSTROPHY, LIMB-GIRDLE, AUTOSOMAL RECESSIVE 10. Identifiers: Orphanet 140922, MedGen C1837342, MONDO:0012127, OMIM 608807.
Dilated cardiomyopathy 1G (CMD1G). Identifiers: Orphanet 154, MedGen C1858763, MONDO:0011400, OMIM 604145.
Tibial muscular dystrophy (TMD). Also called: UDD MYOPATHY; Udd Distal Myopathy – Tibial Muscular Dystrophy; Tibial muscular dystrophy, tardive. Identifiers: Orphanet 609, MedGen C1838244, MONDO:0010870, OMIM 600334.

Submission:

Juno Genomics, Hangzhou Juno Genomics, Inc
Classification: Likely pathogenic for Early-onset myopathy with fatal cardiomyopathy; Dilated cardiomyopathy 1G; Hypertrophic cardiomyopathy 9; Autosomal recessive limb-girdle muscular dystrophy type 2J; Myopathy, myofibrillar, 9, with early respiratory failure; Tibial muscular dystrophy. Review status: criteria provided, single submitter. Criteria: ACMG Guidelines, 2015. Collection method: clinical testing. Allele origin: germline.
Comment: Null variant in a gene where loss of function (LOF) is a known mechanism of disease.;Absent from controls (or at extremely low frequency if recessive) in Genome Aggregation Database.